The following is an entry in ClinVar:

NM_001145860.2(POP1):c.1832G>A (p.Arg611Gln)

Gene: POP1 (POP1 ribonuclease P/MRP subunit; plus strand). Cytogenetic location: 8q22.2.
Variant type: single nucleotide variant.
Coding change: c.1832G>A on transcript NM_001145860.2 (MANE Select); coding-DNA position 1832, G replaced by A.
Protein change: p.Arg611Gln; replaces arginine 611 with glutamine.
Molecular consequence: missense variant.
Genome position (GRCh38, 1-based): chr8:98,148,936, G>A. VCF-style: chr8-98148936-G-A. GRCh37 (hg19) VCF-style: chr8-99161164-G-A.
Other names: c.1832G>A, p.Arg611Gln (NM_001145861.2, NM_015029.3); short protein forms R611Q.
Identifiers: ClinVar variation 2088548 (VCV002088548.4), dbSNP rs762693840, ClinGen allele CA4820703.
Genomic context (GRCh38, chr8:98,148,936, plus strand): 5'-ATGAATCCAAGATACCTATACTTTTGATTCAGCAGCCAGGAAAAGTGACTGGTGAAGATC[G>A]ACTAGGCTGGGGAAGTGGCTGGGATGTCCTACTCCCAAAGGGCTGGGGCATGGCTTTCTG-3'
Protein context (NP_001139332.1, residues 601-621): QQPGKVTGED[Arg611Gln]LGWGSGWDVL

ClinVar aggregate classification (germline): Uncertain significance (1 of 4 stars; one submission).

Allele frequency attached by ClinVar (database versions not stated): TOPMed below 0.00001.
gnomAD v4.1: 2 of 1,613,814 alleles (0.00012%); highest among the groups gnomAD compares: Non-Finnish European, 0.00017%; no homozygotes.

Submission:

Labcorp Genetics (formerly Invitae), Labcorp
Classification: Uncertain significance. Last evaluated: 2022-11-01. Review status: criteria provided, single submitter. Criteria: Invitae Variant Classification Sherloc (09022015). Collection method: clinical testing. Allele origin: germline.
Comment: In summary, the available evidence is currently insufficient to determine the role of this variant in disease. Therefore, it has been classified as a Variant of Uncertain Significance. Algorithms developed to predict the effect of missense changes on protein structure and function output the following: SIFT: "Tolerated"; PolyPhen-2: "Benign"; Align-GVGD: "Class C0". The glutamine amino acid residue is found in multiple mammalian species, which suggests that this missense change does not adversely affect protein function. This sequence change replaces arginine, which is basic and polar, with glutamine, which is neutral and polar, at codon 611 of the POP1 protein (p.Arg611Gln). This variant is present in population databases (rs762693840, gnomAD 0.0009%). This variant has not been reported in the literature in individuals affected with POP1-related conditions.